The following is an entry in ClinVar:

ClinVar aggregate classification (germline): Uncertain significance (1 of 4 stars; one submission).

gnomAD v4.1: 2 of 1,167,476 alleles (0.00017%); highest among the groups gnomAD compares: East Asian, 0.0038%; no homozygotes.

Submission:

Labcorp Genetics (formerly Invitae), Labcorp
Classification: Uncertain significance. Last evaluated: 2022-06-27. Review status: criteria provided, single submitter. Criteria: Invitae Variant Classification Sherloc (09022015). Collection method: clinical testing. Allele origin: germline.
Comment: In summary, the available evidence is currently insufficient to determine the role of this variant in disease. Therefore, it has been classified as a Variant of Uncertain Significance. Algorithms developed to predict the effect of missense changes on protein structure and function are either unavailable or do not agree on the potential impact of this missense change (SIFT: "Tolerated"; PolyPhen-2: "Not Available"; Align-GVGD: "Class C0"). This variant has not been reported in the literature in individuals affected with ZSWIM6-related conditions. This variant is not present in population databases (gnomAD no frequency). This sequence change replaces proline, which is neutral and non-polar, with serine, which is neutral and polar, at codon 8 of the ZSWIM6 protein (p.Pro8Ser).

NM_020928.2(ZSWIM6):c.22C>T (p.Pro8Ser)

Gene: ZSWIM6 (zinc finger SWIM-type containing 6; plus strand). Cytogenetic location: 5q12.1.
Variant type: single nucleotide variant.
Coding change: c.22C>T on transcript NM_020928.2 (MANE Select); coding-DNA position 22, C replaced by T.
Protein change: p.Pro8Ser; replaces proline 8 with serine.
Molecular consequence: missense variant.
Genome position (GRCh38, 1-based): chr5:61,332,294, C>T. VCF-style: chr5-61332294-C-T. GRCh37 (hg19) VCF-style: chr5-60628121-C-T.
Other names: short protein forms P8S.
Identifiers: ClinVar variation 1468559 (VCV001468559.8), dbSNP rs1483067522, ClinGen allele CA359939822.
Genomic context (GRCh38, chr5:61,332,294, plus strand): 5'-TCCCGGCACTTCCGCTGTCGGGTTAGAAGCGGCGCGGTCATGGCGGAGCGCGGACAGCAG[C>T]CTCCTCCCGCGAAACGGCTTTGCTGCCGGCCGGGCGGCGGCGGCGGCGGCGGGGGCAGCA-3'
Protein context (NP_065979.1, residues 1-18): MAERGQQ[Pro8Ser]PPAKRLCCRP